The following is an entry in ClinVar:

ClinVar aggregate classification (germline): Benign (0 of 4 stars; one submission).

Conditions:
YTHDC2-related disorder. Also called: YTHDC2-related condition.

Allele frequency attached by ClinVar (database versions not stated): ExAC 0.26412; ESP Exome Variant Server 0.32129; 1000 Genomes Project 0.33307; 1000 Genomes Project 30x 0.34447; TOPMed 0.34549.
gnomAD v4.1: 375,247 of 1,613,578 alleles (23%); highest among the groups gnomAD compares: African/African-American, 54%; 50,626 homozygotes.

Submission:

PreventionGenetics, part of Exact Sciences
Classification: Benign for YTHDC2-related condition. Last evaluated: 2019-10-18. Review status: no assertion criteria provided. Collection method: clinical testing. Allele origin: germline.
Comment: This variant is classified as benign based on ACMG/AMP sequence variant interpretation guidelines (Richards et al. 2015 PMID: 25741868, with internal and published modifications).

NM_022828.5(YTHDC2):c.793C>A (p.Arg265=)

Gene: YTHDC2 (YTH N6-methyladenosine RNA binding protein C2; plus strand). Cytogenetic location: 5q22.2.
Variant type: single nucleotide variant.
Coding change: c.793C>A on transcript NM_022828.5 (MANE Select); coding-DNA position 793, C replaced by A.
Protein change: p.Arg265=; no amino-acid change (arginine 265 retained).
Molecular consequence: synonymous variant. On other transcripts: 5 prime UTR variant (1).
Genome position (GRCh38, 1-based): chr5:113,532,996, C>A. VCF-style: chr5-113532996-C-A. GRCh37 (hg19) VCF-style: chr5-112868693-C-A.
Other names: c.307C>A, p.Arg103= (NM_001345975.2); c.-108C>A (NM_001345976.2).
Identifiers: ClinVar variation 3059374 (VCV003059374.2), dbSNP rs6594732, ClinGen allele CA3371568.